The following is an entry in ClinVar:

NM_001845.6(COL4A1):c.469G>C (p.Gly157Arg)

Gene: COL4A1 (collagen type IV alpha 1 chain; minus strand). Cytogenetic location: 13q34.
Variant type: single nucleotide variant.
Coding change: c.469G>C on transcript NM_001845.6 (MANE Select); coding-DNA position 469, G replaced by C.
Protein change: p.Gly157Arg; replaces glycine 157 with arginine.
Molecular consequence: missense variant.
Genome position (GRCh38, 1-based): chr13:110,210,212, C>G on the plus strand (G>C on the coding strand, the complement: COL4A1 is on the minus strand). VCF-style: chr13-110210212-C-G. GRCh37 (hg19) VCF-style: chr13-110862559-C-G.
Other names: c.469G>C, p.Gly157Arg (NM_001303110.2); short protein forms G157R.
Identifiers: ClinVar variation 3390450 (VCV003390450.1).

ClinVar aggregate classification (germline): Uncertain significance (1 of 4 stars; one submission).

Submission:

GeneDx
Classification: Uncertain significance. Last evaluated: 2024-06-12. Review status: criteria provided, single submitter. Criteria: GeneDx Variant Classification Process June 2021. Collection method: clinical testing. Allele origin: germline. Affected: yes.
Comment: Not observed at significant frequency in large population cohorts (gnomAD); In silico analysis supports that this missense variant has a deleterious effect on protein structure/function; Has not been previously published as pathogenic or benign to our knowledge